The following is an entry in ClinVar:

ClinVar aggregate classification (germline): Likely benign. Review status: criteria provided, multiple submitters, no conflicts (2 of 4 stars). 2 submissions from 2 submitters: Likely benign (2). Last evaluated 2026-01-27.

Allele frequency attached by ClinVar (database versions not stated): TOPMed 0.00011; ESP Exome Variant Server 0.00016; gnomAD exomes 0.00016; gnomAD 0.00017; ExAC 0.00042; 1000 Genomes Project 0.00120; 1000 Genomes Project 30x 0.00125.
gnomAD v4.1: 257 of 1,607,384 alleles (0.016%); highest among the groups gnomAD compares: South Asian, 0.24%; 6 homozygotes.

Submissions (2):

Women's Health and Genetics/Laboratory Corporation of America, LabCorp
Classification: Likely benign. Last evaluated: 2026-01-27. Review status: criteria provided, single submitter. Criteria: LabCorp Variant Classification Summary - May 2015. Collection method: clinical testing. Allele origin: germline.
Comment: Variant summary: CCDC88C c.2386C>T (p.Arg796Cys) results in a non-conservative amino acid change in the encoded protein sequence. Algorithms developed to predict the effect of missense changes on protein structure and function are either unavailable or do not agree on the potential impact of this missense change. The variant allele was found at a frequency of 0.00033 in 241552 control chromosomes, predominantly at a frequency of 0.0023 within the South Asian subpopulation in the gnomAD database, including 1 homozygote. To our knowledge, no occurrence of c.2386C>T in individuals affected with CCDC88C-related conditions and no experimental evidence demonstrating its impact on protein function have been reported. ClinVar contains an entry for this variant (Variation ID: 2168509). Based on the evidence outlined above, the variant was classified as likely benign.

Labcorp Genetics (formerly Invitae), Labcorp
Classification: Likely benign. Last evaluated: 2026-01-03. Review status: criteria provided, single submitter. Criteria: Invitae Variant Classification Sherloc (09022015). Collection method: clinical testing. Allele origin: germline.

NM_001080414.4(CCDC88C):c.2386C>T (p.Arg796Cys)

Gene: CCDC88C (coiled-coil and HOOK domain protein 88C; minus strand). Cytogenetic location: 14q32.11.
Variant type: single nucleotide variant.
Coding change: c.2386C>T on transcript NM_001080414.4 (MANE Select); coding-DNA position 2386, C replaced by T.
Protein change: p.Arg796Cys; replaces arginine 796 with cysteine.
Molecular consequence: missense variant.
Genome position (GRCh38, 1-based): chr14:91,313,430, G>A on the plus strand (C>T on the coding strand, the complement: CCDC88C is on the minus strand). VCF-style: chr14-91313430-G-A. GRCh37 (hg19) VCF-style: chr14-91779774-G-A.
Other names: short protein forms R796C.
Identifiers: ClinVar variation 2168509 (VCV002168509.7), dbSNP rs372425024, ClinGen allele CA7309674.
Genomic context (GRCh38, chr14:91,313,430, plus strand): 5'-CCCCCTCCAACTGTGCATTGGCCAGCCGGAGGGCCTCCAGGTCCCGCCGCAGCGCCTGGC[G>A]CTCAGCCTCCAGCTCGCCCAGCTCACTCTCCAAGGTCTGCGTCTTGTGGCTGCTGCTCTC-3'
Protein context (NP_001073883.2, residues 786-806): ESELGELEAE[Arg796Cys]QALRRDLEAL